The following is an entry in ClinVar:

NM_000388.4(CASR):c.1378G>A (p.Val460Ile)

Gene: CASR (calcium sensing receptor; plus strand). Cytogenetic location: 3q21.1.
Variant type: single nucleotide variant.
Coding change: c.1378G>A on transcript NM_000388.4 (MANE Select); coding-DNA position 1378, G replaced by A.
Protein change: p.Val460Ile; replaces valine 460 with isoleucine.
Molecular consequence: missense variant.
Genome position (GRCh38, 1-based): chr3:122,275,812, G>A. VCF-style: chr3-122275812-G-A. GRCh37 (hg19) VCF-style: chr3-121994659-G-A.
Other names: c.1378G>A, p.Val460Ile (NM_001178065.2); short protein forms V460I.
Identifiers: ClinVar variation 647098 (VCV000647098.13), dbSNP rs753189535, ClinGen allele CA2569648.

ClinVar aggregate classification (germline): Uncertain significance. Review status: criteria provided, multiple submitters, no conflicts (2 of 4 stars). 2 submissions from 2 submitters: Uncertain significance (2). Last evaluated 2025-11-16.

Conditions:
Nephrolithiasis/nephrocalcinosis. Identifiers: MedGen CN580796.
Familial hypocalciuric hypercalcemia (FHH). Also called: Familial benign hypercalcemia. Identifiers: Orphanet 405, MedGen C1809471, MONDO:0018458.
Autosomal dominant hypocalcemia 1 (HYPOC1). Also called: HYPOCALCEMIA, FAMILIAL. Identifiers: MedGen C3715128, MONDO:0011013, OMIM 601198.

Allele frequency attached by ClinVar (database versions not stated): gnomAD 0.00001; TOPMed below 0.00001; ExAC 0.00001; gnomAD exomes below 0.00001.
gnomAD v4.1: 3 of 1,609,788 alleles (0.00019%); highest among the groups gnomAD compares: African/African-American, 0.004%; no homozygotes.

Submissions (2):

Labcorp Genetics (formerly Invitae), Labcorp
Classification: Uncertain significance for Familial hypocalciuric hypercalcemia; Autosomal dominant hypocalcemia 1. Last evaluated: 2025-11-16. Review status: criteria provided, single submitter. Criteria: Invitae Variant Classification Sherloc (09022015). Collection method: clinical testing. Allele origin: germline.
Comment: This sequence change replaces valine, which is neutral and non-polar, with isoleucine, which is neutral and non-polar, at codon 460 of the CASR protein (p.Val460Ile). This variant is present in population databases (rs753189535, gnomAD 0.008%). This variant has not been reported in the literature in individuals affected with CASR-related conditions. ClinVar contains an entry for this variant (Variation ID: 647098). An algorithm developed to predict the effect of missense changes on protein structure and function (PolyPhen-2) suggests that this variant is likely to be tolerated. In summary, the available evidence is currently insufficient to determine the role of this variant in disease. Therefore, it has been classified as a Variant of Uncertain Significance.

Ambry Genetics
Classification: Uncertain significance for Nephrolithiasis/nephrocalcinosis. Last evaluated: 2021-09-07. Review status: criteria provided, single submitter. Criteria: Ambry Variant Classification Scheme 2023. Collection method: clinical testing. Allele origin: germline.
Comment: The p.V460I variant (also known as c.1378G>A) is located in coding exon 4 of the CASR gene. The valine at codon 460 is replaced by isoleucine, an amino acid with highly similar properties. This change occurs in the first base pair of coding exon 4. This amino acid position is conserved. In addition, the in silico prediction for this alteration is inconclusive. Since supporting evidence is limited at this time, the clinical significance of this alteration remains unclear.